The following is an entry in ClinVar:

ClinVar aggregate classification (germline): Conflicting classifications of pathogenicity. Review status: criteria provided, conflicting classifications (1 of 4 stars). 4 submissions from 4 submitters: Uncertain significance (3); Benign (1). Last evaluated 2026-03-02.

Conditions:
SETX-related disorder. Also called: SETX-related condition; SETX-related disorders. Identifiers: MedGen CN239403.
Inborn genetic diseases. Identifiers: MedGen C0950123, MeSH D030342.
Spinocerebellar ataxia, autosomal recessive, with axonal neuropathy 2 (SCAN2). Also called: ATAXIA-OCULOMOTOR APRAXIA 2; Ataxia-ocular apraxia-2; Ataxia with Oculomotor Apraxia Type 2; Ataxia with Oculomotor Apraxia. Identifiers: Orphanet 64753, MedGen C1853761, MONDO:0018996, OMIM 606002.
Amyotrophic lateral sclerosis type 4 (ALS4). Also called: AMYOTROPHIC LATERAL SCLEROSIS 4, JUVENILE; NEURONOPATHY, DISTAL HEREDITARY MOTOR, WITH PYRAMIDAL FEATURES. Identifiers: Orphanet 357043, MedGen C1865409, MONDO:0011223, OMIM 602433.

Allele frequency attached by ClinVar (database versions not stated): gnomAD exomes 0.00003 and 0.00006; TOPMed 0.00003; ExAC 0.00004; gnomAD 0.00005 and 0.00006; ESP Exome Variant Server 0.00008.
gnomAD v4.1: 99 of 1,614,044 alleles (0.0061%); highest among the groups gnomAD compares: Non-Finnish European, 0.0076%; no homozygotes.

Submissions (4):

PreventionGenetics, part of Exact Sciences
Classification: Uncertain significance for SETX-related condition. Last evaluated: 2026-03-02. Review status: criteria provided, single submitter. Criteria: ACMG Guidelines, 2015. Collection method: clinical testing. Allele origin: germline.
Comment: The SETX c.7439C>T variant is predicted to result in the amino acid substitution p.Ala2480Val. To our knowledge, this variant has not been reported in the literature. This variant is reported in 0.0077% of alleles in individuals of European (Non-Finnish) descent in gnomAD. At this time, the clinical significance of this variant is uncertain due to the absence of conclusive functional and genetic evidence.

Labcorp Genetics (formerly Invitae), Labcorp
Classification: Benign for Amyotrophic lateral sclerosis type 4; Spinocerebellar ataxia, autosomal recessive, with axonal neuropathy 2. Last evaluated: 2026-01-15. Review status: criteria provided, single submitter. Criteria: Invitae Variant Classification Sherloc (09022015). Collection method: clinical testing. Allele origin: germline.

Ambry Genetics
Classification: Uncertain significance for Inborn genetic diseases. Last evaluated: 2025-09-28. Review status: criteria provided, single submitter. Criteria: Ambry Variant Classification Scheme 2023. Collection method: clinical testing. Allele origin: germline.

Athena Diagnostics
Classification: Uncertain significance. Last evaluated: 2024-10-15. Review status: criteria provided, single submitter. Criteria: Athena Diagnostics Criteria. Collection method: clinical testing. Allele origin: unknown.
Comment: Available data are insufficient to determine the clinical significance of the variant at this time. The frequency of this variant in the general population is uninformative in assessment of its pathogenicity. Polyphen and MutationTaster predict this amino acid change may be benign.

NM_015046.7(SETX):c.7439C>T (p.Ala2480Val)

Gene: SETX (senataxin; minus strand). Cytogenetic location: 9q34.13.
Variant type: single nucleotide variant.
Coding change: c.7439C>T on transcript NM_015046.7 (MANE Select); coding-DNA position 7439, C replaced by T.
Protein change: p.Ala2480Val; replaces alanine 2480 with valine.
Molecular consequence: missense variant.
Genome position (GRCh38, 1-based): chr9:132,264,834, G>A on the plus strand (C>T on the coding strand, the complement: SETX is on the minus strand). VCF-style: chr9-132264834-G-A. GRCh37 (hg19) VCF-style: chr9-135140221-G-A.
Other names: c.7439C>T (NM_015046.5); c.7439C>T, p.Ala2480Val (NM_001351527.2); c.7526C>T, p.Ala2509Val (NM_001351528.2); short protein forms A2480V, A2509V.
Identifiers: ClinVar variation 1024285 (VCV001024285.11), dbSNP rs376524608, ClinGen allele CA5296387.